The following is an entry in ClinVar:

NM_001376013.1(EPB41):c.2257A>G (p.Lys753Glu)

Gene: EPB41 (erythrocyte membrane protein band 4.1; plus strand). Cytogenetic location: 1p35.3.
Variant type: single nucleotide variant.
Coding change: c.2257A>G on transcript NM_001376013.1 (MANE Select); coding-DNA position 2257, A replaced by G.
Protein change: p.Lys753Glu; replaces lysine 753 with glutamic acid.
Molecular consequence: missense variant.
Genome position (GRCh38, 1-based): chr1:29,097,879, A>G. VCF-style: chr1-29097879-A-G. GRCh37 (hg19) VCF-style: chr1-29424391-A-G.
Other names: c.2257A>G, p.Lys753Glu (NM_001166005.2); c.1468A>G, p.Lys490Glu (NM_001166007.2); c.2188A>G, p.Lys730Glu (NM_001376014.1); c.2152A>G, p.Lys718Glu (NM_001376015.1); c.1630A>G, p.Lys544Glu (NM_001376022.1); c.1531A>G, p.Lys511Glu (NM_004437.4); c.1588A>G, p.Lys530Glu (NM_203342.3); c.1990A>G, p.Lys664Glu (NM_203343.3); short protein forms K544E, K753E, K511E, K664E, K730E, K490E, K530E, K718E.
Identifiers: ClinVar variation 4840111 (VCV004840111.1).

ClinVar aggregate classification (germline): Uncertain significance (1 of 4 stars; one submission).

Conditions:
Inborn genetic diseases. Identifiers: MedGen C0950123, MeSH D030342.

gnomAD v4.1: 3 of 1,613,970 alleles (0.00019%); highest among the groups gnomAD compares: Admixed American, 0.0017%; no homozygotes.

Submission:

Ambry Genetics
Classification: Uncertain significance for Inborn genetic diseases. Last evaluated: 2026-02-17. Review status: criteria provided, single submitter. Criteria: Ambry Variant Classification Scheme 2023. Collection method: clinical testing. Allele origin: germline.
Comment: The c.1531A>G (p.K511E) alteration is located in exon 16 (coding exon 13) of the EPB41 gene. This alteration results from a A to G substitution at nucleotide position 1531, causing the lysine (K) at amino acid position 511 to be replaced by a glutamic acid (E). Based on data from gnomAD, the G allele has an overall frequency of <0.001% (1/251276) total alleles studied. The highest observed frequency was 0.003% (1/34592) of Latino alleles. Based on insufficient or conflicting evidence, the clinical significance of this alteration remains unclear.